The following is an entry in ClinVar:

ClinVar aggregate classification (germline): Uncertain significance (1 of 4 stars; one submission).

Conditions:
X-linked lymphoproliferative disease due to XIAP deficiency. Also called: XIAP DEFICIENCY; XIAP-Related Lymphoproliferative Disease, X-Linked. Identifiers: Orphanet 2442, Orphanet 538934, MedGen C1845076, MONDO:0010385, OMIM 300635.

Allele frequency attached by ClinVar (database versions not stated): gnomAD exomes below 0.00001.
gnomAD v4.1: 3 of 1,211,478 alleles (0.00025%); highest among the groups gnomAD compares: South Asian, 0.0018%; no homozygotes.

Submission:

Labcorp Genetics (formerly Invitae), Labcorp
Classification: Uncertain significance for X-linked lymphoproliferative disease due to XIAP deficiency. Last evaluated: 2022-05-17. Review status: criteria provided, single submitter. Criteria: Invitae Variant Classification Sherloc (09022015). Collection method: clinical testing. Allele origin: germline.
Comment: In summary, the available evidence is currently insufficient to determine the role of this variant in disease. Therefore, it has been classified as a Variant of Uncertain Significance. Algorithms developed to predict the effect of missense changes on protein structure and function are either unavailable or do not agree on the potential impact of this missense change (SIFT: "Not Available"; PolyPhen-2: "Probably Damaging"; Align-GVGD: "Not Available"). This variant has not been reported in the literature in individuals affected with XIAP-related conditions. This variant is not present in population databases (gnomAD no frequency). This sequence change replaces proline, which is neutral and non-polar, with leucine, which is neutral and non-polar, at codon 155 of the XIAP protein (p.Pro155Leu).

NM_001167.4(XIAP):c.464C>T (p.Pro155Leu)

Gene: XIAP (X-linked inhibitor of apoptosis; plus strand). Cytogenetic location: Xq25.
Variant type: single nucleotide variant.
Coding change: c.464C>T on transcript NM_001167.4 (MANE Select); coding-DNA position 464, C replaced by T.
Protein change: p.Pro155Leu; replaces proline 155 with leucine.
Molecular consequence: missense variant.
Genome position (GRCh38, 1-based): chrX:123,886,126, C>T. VCF-style: chrX-123886126-C-T. GRCh37 (hg19) VCF-style: chrX-123019976-C-T.
Other names: c.464C>T, p.Pro155Leu (NM_001204401.2, NM_001378590.1, NM_001378591.1 and 1 more transcripts); short protein forms P155L.
Identifiers: ClinVar variation 1982377 (VCV001982377.4), dbSNP rs2522585416, ClinGen allele CA414123698.